The following is an entry in ClinVar:

ClinVar aggregate classification (germline): Benign/Likely benign. Review status: criteria provided, multiple submitters, no conflicts (2 of 4 stars). 3 submissions from 3 submitters: Benign (1); Likely benign (2). Last evaluated 2026-04-27.

Conditions:
Colorectal cancer, susceptibility to, 1. Also called: COLORECTAL ADENOMA AND CANCER, SUSCEPTIBILITY TO; COLORECTAL CANCER, SUSCEPTIBILITY TO, ON CHROMOSOME 9. Identifiers: MedGen C1837315, MONDO:0012132, OMIM 608812.

Allele frequency attached by ClinVar (database versions not stated): TOPMed 0.00005; 1000 Genomes Project 30x 0.00047; gnomAD exomes 0.00002; gnomAD 0.00001 and 0.00003; ESP Exome Variant Server 0.00008; 1000 Genomes Project 0.00060; ExAC 0.00003.
gnomAD v4.1: 12 of 1,614,134 alleles (0.00074%); highest among the groups gnomAD compares: African/African-American, 0.015%; no homozygotes.

Submissions (3):

Myriad Genetics, Inc.
Classification: Benign for Colorectal cancer, susceptibility to, 1. Last evaluated: 2026-04-27. Review status: criteria provided, single submitter. Criteria: Myriad Autosomal Dominant, Autosomal Recessive and X-Linked Classification Criteria (2023). Collection method: clinical testing. Allele origin: unknown.
Comment: This variant is considered benign. This variant is a silent/synonymous amino acid change and it is not expected to impact splicing.

Labcorp Genetics (formerly Invitae), Labcorp
Classification: Likely benign. Last evaluated: 2022-07-08. Review status: criteria provided, single submitter. Criteria: Invitae Variant Classification Sherloc (09022015). Collection method: clinical testing. Allele origin: germline.

Ambry Genetics
Classification: Likely benign. Last evaluated: 2020-01-03. Review status: criteria provided, single submitter. Criteria: Ambry Variant Classification Scheme 2023. Collection method: clinical testing. Allele origin: germline.

NM_024642.5(GALNT12):c.1500C>T (p.Thr500=)

Gene: GALNT12 (polypeptide N-acetylgalactosaminyltransferase 12; plus strand). Cytogenetic location: 9q22.33.
Variant type: single nucleotide variant.
Coding change: c.1500C>T on transcript NM_024642.5 (MANE Select); coding-DNA position 1500, C replaced by T.
Protein change: p.Thr500=; no amino-acid change (threonine 500 retained).
Molecular consequence: synonymous variant.
Genome position (GRCh38, 1-based): chr9:98,846,018, C>T. VCF-style: chr9-98846018-C-T. GRCh37 (hg19) VCF-style: chr9-101608300-C-T.
Identifiers: ClinVar variation 1588661 (VCV001588661.11), dbSNP rs377188258, ClinGen allele CA5154303.